The following is an entry in ClinVar:

NM_032444.4(SLX4):c.5093C>A (p.Ala1698Asp)

Gene: SLX4 (SLX4 structure-specific endonuclease subunit; minus strand). Cytogenetic location: 16p13.3.
Variant type: single nucleotide variant.
Coding change: c.5093C>A on transcript NM_032444.4 (MANE Select); coding-DNA position 5093, C replaced by A.
Protein change: p.Ala1698Asp; replaces alanine 1698 with aspartic acid.
Molecular consequence: missense variant.
Genome position (GRCh38, 1-based): chr16:3,583,157, G>T on the plus strand (C>A on the coding strand, the complement: SLX4 is on the minus strand). VCF-style: chr16-3583157-G-T. GRCh37 (hg19) VCF-style: chr16-3633158-G-T.
Other names: c.5093C>A (NM_032444.2); short protein forms A1698D.
Identifiers: ClinVar variation 1442244 (VCV001442244.6), dbSNP rs967813945, ClinGen allele CA276952580.
Genomic context (GRCh38, chr16:3,583,157, plus strand): 5'-CTCTGTGAGCTCAAGGAGCTGTCACTGCCATCCACAGAGGTGGCCACGGATTCTTGAGAG[G>T]CTGGGATCTGGGCGTCATCATTGAGGCCTGGAGGTGCCTCCTTGGTGGGCGACCTGCTTG-3'
Protein context (NP_115820.2, residues 1688-1708): PGLNDDAQIP[Ala1698Asp]SQESVATSVD

ClinVar aggregate classification (germline): Uncertain significance. Review status: criteria provided, multiple submitters, no conflicts (2 of 4 stars). 2 submissions from 2 submitters: Uncertain significance (2). Last evaluated 2025-02-10.

Conditions:
Fanconi anemia (FA). Also called: Fanconi's anemia. Identifiers: Orphanet 84, MedGen C0015625, MeSH D005199, MONDO:0019391.
Inborn genetic diseases. Identifiers: MedGen C0950123, MeSH D030342.

Allele frequency attached by ClinVar (database versions not stated): gnomAD exomes below 0.00001; gnomAD 0.00001 and 0.00002; TOPMed 0.00001.
gnomAD v4.1: 4 of 1,614,158 alleles (0.00025%); highest among the groups gnomAD compares: African/African-American, 0.004%; no homozygotes.

Submissions (2):

Ambry Genetics
Classification: Uncertain significance for Inborn genetic diseases. Last evaluated: 2025-02-10. Review status: criteria provided, single submitter. Criteria: Ambry Variant Classification Scheme 2023. Collection method: clinical testing. Allele origin: germline.

Labcorp Genetics (formerly Invitae), Labcorp
Classification: Uncertain significance for Fanconi anemia. Last evaluated: 2022-10-29. Review status: criteria provided, single submitter. Criteria: Invitae Variant Classification Sherloc (09022015). Collection method: clinical testing. Allele origin: germline.
Comment: This sequence change replaces alanine, which is neutral and non-polar, with aspartic acid, which is acidic and polar, at codon 1698 of the SLX4 protein (p.Ala1698Asp). This variant is not present in population databases (gnomAD no frequency). This variant has not been reported in the literature in individuals affected with SLX4-related conditions. ClinVar contains an entry for this variant (Variation ID: 1442244). Algorithms developed to predict the effect of missense changes on protein structure and function are either unavailable or do not agree on the potential impact of this missense change (SIFT: "Deleterious"; PolyPhen-2: "Probably Damaging"; Align-GVGD: "Class C0"). In summary, the available evidence is currently insufficient to determine the role of this variant in disease. Therefore, it has been classified as a Variant of Uncertain Significance.